The following is an entry in ClinVar:

ClinVar aggregate classification (germline): Pathogenic (1 of 4 stars; one submission).

Submission:

Labcorp Genetics (formerly Invitae), Labcorp
Classification: Pathogenic. Last evaluated: 2024-06-07. Review status: criteria provided, single submitter. Criteria: Invitae Variant Classification Sherloc (09022015). Collection method: clinical testing. Allele origin: germline.
Comment: This sequence change creates a premature translational stop signal (p.Asn675Thrfs*13) in the CARMIL2 gene. It is expected to result in an absent or disrupted protein product. Loss-of-function variants in CARMIL2 are known to be pathogenic (PMID: 27647349, 28112205). This variant is not present in population databases (gnomAD no frequency). This variant has not been reported in the literature in individuals affected with CARMIL2-related conditions. For these reasons, this variant has been classified as Pathogenic.

Literature cited by the submitters: PubMed 27647349; PubMed 28112205.

NM_001013838.3(CARMIL2):c.2024del (p.Asn675fs)

Gene: CARMIL2 (capping protein regulator and myosin 1 linker 2; plus strand). Cytogenetic location: 16q22.1.
Variant type: Deletion.
Coding change: c.2024del on transcript NM_001013838.3 (MANE Select); coding-DNA position 2024, one base deleted (A; older notation c.2024delA).
Protein change: p.Asn675fs; shifts the reading frame from asparagine 675.
Molecular consequence: frameshift variant.
Genome position (GRCh38, 1-based): chr16:67,649,910, A deleted; the last of 2 consecutive A bases (chr16:67,649,909-67,649,910); deleting either gives the same sequence. VCF-style (leftmost placement, unchanged base first): chr16-67649908-GA-G. GRCh37 (hg19) VCF-style: chr16-67683811-GA-G.
Other names: c.1916del, p.Asn639fs (NM_001317026.3); short protein forms N639fs, N675fs.
Identifiers: ClinVar variation 3647720 (VCV003647720.2).
Genomic context (GRCh38, chr16:67,649,908, plus strand): 5'-GCTGGACGTGGCGCAGGCGCTGGAGCAGAACCACAGCCTGAAGGCCATGCCTCTGCCACT[GA>G]ACGACGTGGCCCAGGCGCAGCGCAGCCGCCCGGAACTGACAGCACGTGCAGTCCATCAGG-3'